The following is an entry in ClinVar:

NM_058216.3(RAD51C):c.191T>C (p.Ile64Thr)

Gene: RAD51C (RAD51 paralog C; plus strand). Cytogenetic location: 17q22.
Variant type: single nucleotide variant.
Coding change: c.191T>C on transcript NM_058216.3 (MANE Select); coding-DNA position 191, T replaced by C.
Protein change: p.Ile64Thr; replaces isoleucine 64 with threonine.
Molecular consequence: missense variant. On other transcripts: non-coding transcript variant (2).
Genome position (GRCh38, 1-based): chr17:58,694,976, T>C. VCF-style: chr17-58694976-T-C. GRCh37 (hg19) VCF-style: chr17-56772337-T-C.
Other names: c.191T>C, p.Ile64Thr (NM_002876.4); short protein forms I64T.
Identifiers: ClinVar variation 538773 (VCV000538773.8), dbSNP rs1555593511, ClinGen allele CA400339888.

ClinVar aggregate classification (germline): Uncertain significance (1 of 4 stars; one submission).

Conditions:
Fanconi anemia complementation group O. Also called: RAD51C-Related Fanconi Anemia. Identifiers: Orphanet 84, MedGen C3150653, MONDO:0013248, OMIM 613390.

Allele frequency attached by ClinVar (database versions not stated): gnomAD exomes below 0.00001.
gnomAD v4.1: 1 of 1,614,152 alleles (0.000062%); highest among the groups gnomAD compares: Non-Finnish European, 0.000085%; no homozygotes.

Submission:

Labcorp Genetics (formerly Invitae), Labcorp
Classification: Uncertain significance for Fanconi anemia complementation group O. Last evaluated: 2017-08-05. Review status: criteria provided, single submitter. Criteria: Invitae Variant Classification Sherloc (09022015). Collection method: clinical testing. Allele origin: germline.
Comment: This sequence change replaces isoleucine with threonine at codon 64 of the RAD51C protein (p.Ile64Thr). The isoleucine residue is weakly conserved and there is a moderate physicochemical difference between isoleucine and threonine. This variant is not present in population databases (ExAC no frequency). In summary, the available evidence is currently insufficient to determine the role of this variant in disease. Therefore, it has been classified as a Variant of Uncertain Significance. Algorithms developed to predict the effect of missense changes on protein structure and function do not agree on the potential impact of this missense change (SIFT: "Deleterious"; PolyPhen-2: "Benign"; Align-GVGD: "Class C25"). This variant has not been reported in the literature in individuals with RAD51C-related disease.